The following is an entry in ClinVar:

NM_001035.3(RYR2):c.9367+9del

Gene: RYR2 (ryanodine receptor 2; plus strand). Cytogenetic location: 1q43.
Variant type: Deletion.
Coding change: c.9367+9del on transcript NM_001035.3 (MANE Select); 9 bases into the intron after coding-DNA position 9367, one base deleted (A; older notation c.9367+9delA).
Molecular consequence: intron variant.
Genome position (GRCh38, 1-based): chr1:237,700,476, A deleted; the last of 3 consecutive A bases (chr1:237,700,474-237,700,476); deleting any one gives the same sequence. VCF-style (leftmost placement, unchanged base first): chr1-237700473-TA-T. GRCh37 (hg19) VCF-style: chr1-237863773-TA-T.
Identifiers: ClinVar variation 3894432 (VCV003894432.1).

ClinVar aggregate classification (germline): Uncertain significance (1 of 4 stars; one submission).

Conditions:
Cardiomyopathy (CMYO). Also called: Cardiomyopathies. Identifiers: Orphanet 167848, MedGen C0878544, MONDO:0004994, HP:0001638. Inheritance: Various modes of inheritance.

Submission:

Color Diagnostics, LLC DBA Color Health
Classification: Uncertain significance for Cardiomyopathy. Last evaluated: 2024-01-16. Review status: criteria provided, single submitter. Criteria: ACMG Guidelines, 2015. Collection method: clinical testing. Allele origin: germline.
Comment: This variant causes deletion of one nucleotide in intron 65 of the RYR2 gene. To our knowledge, functional studies have not been reported for this variant. This variant has not been reported in individuals affected with RYR2-related disorders in the literature. This variant has been identified in 1/31250 chromosomes in the general population by the Genome Aggregation Database (gnomAD). The available evidence is insufficient to determine the role of this variant in disease conclusively. Therefore, this variant is classified as a Variant of Uncertain Significance.